The following is an entry in ClinVar:

ClinVar aggregate classification (germline): Pathogenic. Review status: criteria provided, multiple submitters, no conflicts (2 of 4 stars). 2 submissions from 2 submitters: Pathogenic (2). Last evaluated 2026-04-01.

Conditions:
Inborn genetic diseases. Identifiers: MedGen C0950123, MeSH D030342.

Submissions (2):

CeGaT Center for Human Genetics Tuebingen
Classification: Pathogenic. Last evaluated: 2026-04-01. Review status: criteria provided, single submitter. Criteria: CeGaT Center For Human Genetics Tuebingen Variant Classification Criteria Version 2. Collection method: clinical testing. Allele origin: germline. Affected: yes. Observed: 1 variant allele.
Comment: SHANK3: PVS1, PM2

Ambry Genetics
Classification: Pathogenic for Inborn genetic diseases. Last evaluated: 2025-05-01. Review status: criteria provided, single submitter. Criteria: Ambry Variant Classification Scheme 2023. Collection method: clinical testing. Allele origin: germline.
Comment: The c.4046_4047delCT (p.P1349Rfs*12) alteration, located in exon 21 (coding exon 21) of the SHANK3 gene, consists of a deletion of 2 nucleotides from position 4046 to 4047, causing a translational frameshift with a predicted alternate stop codon after 12 amino acids. This alteration is expected to result in loss of function by premature protein truncation or nonsense-mediated mRNA decay. This variant was not reported in population-based cohorts in the Genome Aggregation Database (gnomAD). Based on the available evidence, this alteration is classified as pathogenic.

NM_001372044.2(SHANK3):c.4271_4272del (p.Pro1424fs)

Gene: SHANK3 (SH3 and multiple ankyrin repeat domains 3; plus strand). Cytogenetic location: 22q13.33.
Variant type: Deletion.
Coding change: c.4271_4272del on transcript NM_001372044.2 (MANE Select); coding-DNA positions 4271 to 4272, 2 bases deleted (CT; older notation c.4271_4272delCT).
Protein change: p.Pro1424fs; shifts the reading frame from proline 1424.
Molecular consequence: frameshift variant.
Genome position (GRCh38, 1-based): chr22:50,721,879-50,721,880, CT deleted. VCF-style (leftmost placement, unchanged base first): chr22-50721878-CCT-C. GRCh37 (hg19) VCF-style: chr22-51160306-CCT-C.
Other names: c.4046_4047delCT (NM_033517.1); short protein forms P1424fs.
Identifiers: ClinVar variation 3953941 (VCV003953941.3).